The following is an entry in ClinVar:

ClinVar aggregate classification (germline): Conflicting classifications of pathogenicity. Review status: criteria provided, conflicting classifications (1 of 4 stars). 5 submissions from 5 submitters: Uncertain significance (2); Likely benign (3). Last evaluated 2025-10-01.

Conditions:
Cystic fibrosis (CF). Also called: MUCOVISCIDOSIS. Identifiers: Orphanet 586, MedGen C0010674, MONDO:0009061, OMIM 219700. Disease mechanism: loss of function.

Allele frequency attached by ClinVar (database versions not stated): gnomAD 0.00006; TOPMed 0.00006.
gnomAD v4.1: 178 of 1,612,580 alleles (0.011%); highest among the groups gnomAD compares: Non-Finnish European, 0.014%; no homozygotes.

Submissions (5):

Labcorp Genetics (formerly Invitae), Labcorp
Classification: Likely benign for Cystic fibrosis. Last evaluated: 2025-10-01. Review status: criteria provided, single submitter. Criteria: Invitae Variant Classification Sherloc (09022015). Collection method: clinical testing. Allele origin: germline.

ARUP Laboratories, Molecular Genetics and Genomics, ARUP Laboratories
Classification: Likely benign. Last evaluated: 2024-12-31. Review status: criteria provided, single submitter. Criteria: ARUP Molecular Germline Variant Investigation Process 2024. Collection method: clinical testing. Allele origin: germline.

Women's Health and Genetics/Laboratory Corporation of America, LabCorp
Classification: Likely benign. Last evaluated: 2023-10-05. Review status: criteria provided, single submitter. Criteria: LabCorp Variant Classification Summary - May 2015. Collection method: clinical testing. Allele origin: germline.

Ambry Genetics
Classification: Uncertain significance for Cystic fibrosis. Last evaluated: 2014-12-08. Review status: criteria provided, single submitter. Criteria: Ambry General Variant Classification Scheme_2022. Collection method: clinical testing. Allele origin: germline. Observed: 1 variant allele.
Comment: The c.3964-16T>C intronic variant results from a T to C substitution 16 nucleotides upstream from coding exon 25 in the CFTR gene. This nucleotide position is not well conserved in available vertebrate species. Using the BDGP and ESEfinder splice site prediction tools, this alteration is not predicted to have any significant effect on this splice acceptor/donor site; however, direct evidence is unavailable. Since supporting evidence is limited at this time, the clinical significance of this alteration remains unclear.

Eurofins Ntd Llc (ga)
Classification: Uncertain significance. Last evaluated: 2014-08-25. Review status: criteria provided, single submitter. Criteria: EGL Classification Definitions 2015. Collection method: clinical testing. Allele origin: germline. Observed: 1 variant allele, 1 heterozygote.

NM_000492.4(CFTR):c.3964-16T>C

Gene: CFTR (CF transmembrane conductance regulator; plus strand). Cytogenetic location: 7q31.2.
Variant type: single nucleotide variant.
Coding change: c.3964-16T>C on transcript NM_000492.4 (MANE Select); 16 bases into the intron before coding-DNA position 3964, T replaced by C.
Molecular consequence: intron variant.
Genome position (GRCh38, 1-based): chr7:117,664,672, T>C. VCF-style: chr7-117664672-T-C. GRCh37 (hg19) VCF-style: chr7-117304726-T-C.
Identifiers: ClinVar variation 195858 (VCV000195858.19), dbSNP rs199672530, ClinGen allele CA242520.
Genomic context (GRCh38, chr7:117,664,672, plus strand): 5'-TGTGTTTATTTTTAGAATGTCAACTGCTTGAGTGTTTTTAACTCTGTGGTATCTGAACTA[T>C]CTTCTCTAACTGCAGGTTGGGCTCAGATCTGTGATAGAACAGTTTCCTGGGAAGCTTGAC-3'